The following is an entry in ClinVar:

ClinVar aggregate classification (germline): Likely pathogenic (1 of 4 stars; one submission).

Conditions:
F9-related disorder. Also called: F9-related condition.

Submission:

PreventionGenetics, part of Exact Sciences
Classification: Likely pathogenic for F9-related condition. Last evaluated: 2025-05-23. Review status: criteria provided, single submitter. Criteria: ACMG Guidelines, 2015. Collection method: clinical testing. Allele origin: germline.
Comment: The F9 c.-49T>C variant is located in the 5' untranslated region. This variant has been reported in at least 4 individuals with mild hemophilia B (Ghanem et al. 1993. PubMed ID: 8055323; Belvini et al. 2005. PubMed ID: 15921378; Johnsen et al. 2017. PubMed ID: 29296726). The c.-49T>C variant occurs within the promoter of the F9 gene. Many substitutions within this promoter region have been reported in association with hemophilia B (Goodeve et al. 2015. PubMed ID: 25851415). This variant is reported in 0.0053% of alleles in individuals of South Asian descent in gnomAD but has not been reported in male individuals. This variant is interpreted as likely pathogenic.

NC_000023.11:g.139530716T>C

Gene: F9 (coagulation factor IX; plus strand). Cytogenetic location: Xq27.1.
Variant type: single nucleotide variant.
Genome position: GRCh38 VCF-style: chrX-139530716-T-C. GRCh37 (hg19) VCF-style: chrX-138612875-T-C.
Identifiers: ClinVar variation 4997374 (VCV004997374.1).
Genomic context (GRCh38, chrX:139,530,716, plus strand): 5'-AGACCCATTGAGGGAGATGGACATTATTTCCCAGAAGTAAATACAGCTCAGCTTGTACTT[T>C]GGTACAACTAATCGACCTTACCACTTTCACAATCTGCTAGCAAAGGTTATGCAGCGCGTG-3'